The following is an entry in ClinVar:

NM_002775.5(HTRA1):c.1274+8G>A

Gene: HTRA1 (HtrA serine peptidase 1; plus strand). Cytogenetic location: 10q26.13.
Variant type: single nucleotide variant.
Coding change: c.1274+8G>A on transcript NM_002775.5 (MANE Select); 8 bases into the intron after coding-DNA position 1274, G replaced by A.
Molecular consequence: intron variant.
Genome position (GRCh38, 1-based): chr10:122,512,073, G>A. VCF-style: chr10-122512073-G-A. GRCh37 (hg19) VCF-style: chr10-124271589-G-A.
Other names: p.?.
Identifiers: ClinVar variation 299054 (VCV000299054.24), dbSNP rs2672586, ClinGen allele CA5726125.

ClinVar aggregate classification (germline): Benign/Likely benign. Review status: criteria provided, multiple submitters, no conflicts (2 of 4 stars). 11 submissions from 10 submitters: Benign (8); Likely benign (1). 2 of the submissions do not count toward it. Last evaluated 2026-02-03.

Conditions:
Cerebral arteriopathy, autosomal recessive, with subcortical infarcts and leukoencephalopathy 2. Also called: CEREBROVASCULAR DISEASE WITH THIN SKIN, ALOPECIA, AND DISC DISEASE; CARASIL syndrome; MAEDA SYNDROME; SUBCORTICAL VASCULAR ENCEPHALOPATHY, PROGRESSIVE; Cerebral autosomal recessive arteriopathy with subcortical infarcts and leukoencephalopathy. Identifiers: Orphanet 199354, MedGen C6022615, MONDO:0010829, OMIM 600142.
Macular degeneration. Also called: Degenerative disorder of macula. Identifiers: MedGen C0024437, MONDO:0003004, HP:0000608.
Cerebral arteriopathy, autosomal dominant, with subcortical infarcts and leukoencephalopathy, type 2 (CADASIL2). Identifiers: MedGen C4225211, MONDO:0014768, OMIM 616779.

Allele frequency attached by ClinVar (database versions not stated): TOPMed 0.99936; ESP Exome Variant Server 0.99938; gnomAD 0.99939 and 0.99943; 1000 Genomes Project 0.99940; 1000 Genomes Project 30x 0.99953; ExAC 0.99984; gnomAD exomes 0.99984 and 0.99992.

Submissions (11):

Labcorp Genetics (formerly Invitae), Labcorp
Classification: Benign. Last evaluated: 2026-02-03. Review status: criteria provided, single submitter. Criteria: Invitae Variant Classification Sherloc (09022015). Collection method: clinical testing. Allele origin: germline.

Mayo Clinic Laboratories, Mayo Clinic
Classification: Likely benign. Last evaluated: 2025-10-30. Review status: criteria provided, single submitter. Criteria: ACMG Guidelines, 2015. Collection method: clinical testing. Allele origin: germline. Observed: 603 variant alleles.

Blueprint Genetics
Classification: Benign. Last evaluated: 2024-11-27. Review status: criteria provided, single submitter. Criteria: ACMG Guidelines, 2015. Collection method: clinical testing. Allele origin: germline.

Genome-Nilou Lab
Classification: Benign for Cerebral arteriopathy, autosomal recessive, with subcortical infarcts and leukoencephalopathy 2. Last evaluated: 2021-08-10. Review status: criteria provided, single submitter. Criteria: ACMG Guidelines, 2015. Collection method: clinical testing. Allele origin: germline. Affected: no.

Genome-Nilou Lab
Classification: Benign for Cerebral arteriopathy, autosomal dominant, with subcortical infarcts and leukoencephalopathy, type 2. Last evaluated: 2021-08-10. Review status: criteria provided, single submitter. Criteria: ACMG Guidelines, 2015. Collection method: clinical testing. Allele origin: germline. Affected: no.

GeneDx
Classification: Benign. Last evaluated: 2021-05-12. Review status: criteria provided, single submitter. Criteria: GeneDx Variant Classification Process June 2021. Collection method: clinical testing. Allele origin: germline. Affected: yes.

Athena Diagnostics
Classification: Benign. Last evaluated: 2018-05-03. Review status: criteria provided, single submitter. Criteria: Athena Diagnostics Criteria. Collection method: clinical testing. Allele origin: germline.

Illumina Laboratory Services, Illumina
Classification: Benign for Macular degeneration. Last evaluated: 2018-01-13. Review status: criteria provided, single submitter. Criteria: ICSL Variant Classification Criteria 13 December 2019. Collection method: clinical testing. Allele origin: germline.
Comment: This variant was observed in the ICSL laboratory as part of a predisposition screen in an ostensibly healthy population. It had not been previously curated by ICSL or reported in the Human Gene Mutation Database (HGMD: prior to June 1st, 2018), and was therefore a candidate for classification through an automated scoring system. Utilizing variant allele frequency, disease prevalence and penetrance estimates, and inheritance mode, an automated score was calculated to assess if this variant is too frequent to cause the disease. Based on the score and internal cut-off values, a variant classified as benign is not then subjected to further curation. The score for this variant resulted in a classification of benign for this disease.

Breakthrough Genomics
Classification: Benign. Review status: criteria provided, single submitter. Criteria: ACMG Guidelines, 2015. Collection method: not provided. Allele origin: germline. Inheritance: Autosomal recessive inheritance. Affected: yes.

Diagnostic Laboratory, Department of Genetics, University Medical Center Groningen
Classification: Benign. Review status: no assertion criteria provided. Collection method: clinical testing. Allele origin: germline. Affected: yes. Study: VKGL Data-share Consensus. Not counted in ClinVar's aggregate classification.

Genome Diagnostics Laboratory, Amsterdam University Medical Center
Classification: Benign. Review status: no assertion criteria provided. Collection method: clinical testing. Allele origin: germline. Affected: yes. Study: VKGL Data-share Consensus. Not counted in ClinVar's aggregate classification.